The following is an entry in ClinVar:

NM_001018111.3(PODXL):c.1169C>G (p.Pro390Arg)

Gene: PODXL (podocalyxin like; minus strand). Cytogenetic location: 7q32.3.
Variant type: single nucleotide variant.
Coding change: c.1169C>G on transcript NM_001018111.3 (MANE Select); coding-DNA position 1169, C replaced by G.
Protein change: p.Pro390Arg; replaces proline 390 with arginine.
Molecular consequence: missense variant.
Genome position (GRCh38, 1-based): chr7:131,506,659, G>C on the plus strand (C>G on the coding strand, the complement: PODXL is on the minus strand). VCF-style: chr7-131506659-G-C. GRCh37 (hg19) VCF-style: chr7-131191418-G-C.
Other names: c.1073C>G, p.Pro358Arg (NM_005397.4); short protein forms P358R, P390R.
Identifiers: ClinVar variation 1509243 (VCV001509243.8), dbSNP rs143652476, ClinGen allele CA369299863.
Genomic context (GRCh38, chr7:131,506,659, plus strand): 5'-ACGACCACGGTCTGACTTCCTGGAACAGATGCCAGCCGTATGCCGCACTTATCTTGGGCC[G>C]GGTTGAAGGTGGCTTTGACTGCTCGGCATATCAGTGAGATCAATTTCTCATCCGAAGCGC-3'
Protein context (NP_001018121.1, residues 380-400): ICRAVKATFN[Pro390Arg]AQDKCGIRLA

ClinVar aggregate classification (germline): Uncertain significance (1 of 4 stars; one submission).

gnomAD v4.1: 3 of 1,614,156 alleles (0.00019%); highest among the groups gnomAD compares: Middle Eastern, 0.05%; no homozygotes.

Submission:

Labcorp Genetics (formerly Invitae), Labcorp
Classification: Uncertain significance. Last evaluated: 2021-04-24. Review status: criteria provided, single submitter. Criteria: Invitae Variant Classification Sherloc (09022015). Collection method: clinical testing. Allele origin: germline.
Comment: Algorithms developed to predict the effect of missense changes on protein structure and function output the following: SIFT: "Tolerated"; PolyPhen-2: "Benign"; Align-GVGD: "Class C0". The arginine amino acid residue is found in multiple mammalian species, suggesting that this missense change does not adversely affect protein function. These predictions have not been confirmed by published functional studies and their clinical significance is uncertain. In summary, the available evidence is currently insufficient to determine the role of this variant in disease. Therefore, it has been classified as a Variant of Uncertain Significance. This variant has not been reported in the literature in individuals with PODXL-related conditions. This variant is not present in population databases (ExAC no frequency). This sequence change replaces proline with arginine at codon 358 of the PODXL protein (p.Pro358Arg). The proline residue is moderately conserved and there is a moderate physicochemical difference between proline and arginine.